The following is an entry in ClinVar:

ClinVar aggregate classification (germline): Conflicting classifications of pathogenicity. Review status: criteria provided, conflicting classifications (1 of 4 stars). 5 submissions from 5 submitters: Uncertain significance (1); Benign (1); Likely benign (3). Last evaluated 2025-11-16.

Conditions:
Autosomal recessive nonsyndromic hearing loss 3. Also called: NEUROSENSORY NONSYNDROMIC RECESSIVE DEAFNESS 3. Identifiers: Orphanet 90636, MedGen C1838263, MONDO:0010860, OMIM 600316.

Allele frequency attached by ClinVar (database versions not stated): gnomAD 0.00001 and 0.00011; TOPMed 0.00005; gnomAD exomes 0.00022 and 0.00041; ExAC 0.00045; 1000 Genomes Project 30x 0.00062; 1000 Genomes Project 0.00080.

Submissions (5):

Labcorp Genetics (formerly Invitae), Labcorp
Classification: Benign. Last evaluated: 2025-11-16. Review status: criteria provided, single submitter. Criteria: Invitae Variant Classification Sherloc (09022015). Collection method: clinical testing. Allele origin: germline.

Blueprint Genetics
Classification: Likely benign. Last evaluated: 2024-04-08. Review status: criteria provided, single submitter. Criteria: ACMG Guidelines, 2015. Collection method: clinical testing. Allele origin: germline.

CeGaT Center for Human Genetics Tuebingen
Classification: Likely benign. Last evaluated: 2018-08-01. Review status: criteria provided, single submitter. Criteria: CeGaT Center For Human Genetics Tuebingen Variant Classification Criteria Version 2. Collection method: clinical testing. Allele origin: germline. Affected: yes. Observed: 1 variant allele.

Illumina Laboratory Services, Illumina
Classification: Uncertain significance for Autosomal recessive nonsyndromic hearing loss 3. Last evaluated: 2018-01-12. Review status: criteria provided, single submitter. Criteria: ICSL Variant Classification Criteria 13 December 2019. Collection method: clinical testing. Allele origin: germline.

Laboratory for Molecular Medicine, Mass General Brigham Personalized Medicine
Classification: Likely benign. Last evaluated: 2013-12-05. Review status: criteria provided, single submitter. Criteria: LMM Criteria. Collection method: clinical testing. Allele origin: germline. Observed: 1 variant allele.
Comment: Ala2223Ala in exon 31 of MYO15A: This variant is not expected to have clinical s ignificance because it does not alter an amino acid residue and is no located wi thin the splice consensus sequence.

NM_016239.4(MYO15A):c.6669G>A (p.Ala2223=)

Gene: MYO15A (myosin XVA; plus strand). Cytogenetic location: 17p11.2.
Variant type: single nucleotide variant.
Coding change: c.6669G>A on transcript NM_016239.4 (MANE Select); coding-DNA position 6669, G replaced by A.
Protein change: p.Ala2223=; no amino-acid change (alanine 2223 retained).
Molecular consequence: synonymous variant.
Genome position (GRCh38, 1-based): chr17:18,148,188, G>A. VCF-style: chr17-18148188-G-A. GRCh37 (hg19) VCF-style: chr17-18051502-G-A.
Identifiers: ClinVar variation 179320 (VCV000179320.54), dbSNP rs558947304, ClinGen allele CA184194.
Genomic context (GRCh38, chr17:18,148,188, plus strand): 5'-CCGCACCTTACCCCCGACCCAGCTCGAGTGGACAGCGACCTATGAGAAGGCCAGCATGGC[G>A]CTGGACGTGGGCTGCTTCAATGGTAAGCTGCCTTCCCCCACCTCAGTGAGGGCAGTGGGA-3'
Protein context (NP_057323.3, residues 2213-2233): WTATYEKASM[Ala2223=]LDVGCFNGDQ